The following is an entry in ClinVar:

NM_000307.5(POU3F4):c.962T>C (p.Val321Ala)

Gene: POU3F4 (POU class 3 homeobox 4; plus strand). Cytogenetic location: Xq21.1.
Variant type: single nucleotide variant.
Coding change: c.962T>C on transcript NM_000307.5 (MANE Select); coding-DNA position 962, T replaced by C.
Protein change: p.Val321Ala; replaces valine 321 with alanine.
Molecular consequence: missense variant.
Genome position (GRCh38, 1-based): chrX:83,509,286, T>C. VCF-style: chrX-83509286-T-C. GRCh37 (hg19) VCF-style: chrX-82764294-T-C.
Other names: short protein forms V321A.
Identifiers: ClinVar variation 4854105 (VCV004854105.1).

ClinVar aggregate classification (germline): Likely pathogenic (1 of 4 stars; one submission).

Conditions:
X-linked mixed hearing loss with perilymphatic gusher. Also called: Gusher syndrome; NANCE DEAFNESS; PERILYMPHATIC GUSHER-DEAFNESS SYNDROME; SENSORINEURAL DEAFNESS, PROFOUND, WITH OR WITHOUT A CONDUCTIVE COMPONENT, ASSOCIATED WITH A UNIQUE DEVELOPMENTAL ABNORMALITY OF THE EAR; Deafness, X-linked 2. Identifiers: Orphanet 383, MedGen C1844678, MONDO:0010576, OMIM 304400.

Submission:

3billion
Classification: Likely pathogenic for X-linked mixed hearing loss with perilymphatic gusher. Last evaluated: 2025-09-04. Review status: criteria provided, single submitter. Criteria: ACMG Guidelines, 2015. Collection method: clinical testing. Allele origin: germline. Affected: yes.
Comment: The variant is not observed in the gnomAD v4.1.0 dataset. Predicted Consequence/Location: The variant is located in a mutational hot spot and/or well-established functional domain in which established pathogenic variants have been reported. In silico tool predictions suggest damaging effect of the variant on gene or gene product [REVEL: 0.95 (>=0.6, sensitivity 0.68 and specificity 0.92); 3Cnet: 0.95 (> 0.75, sensitivity 0.96 and precision 0.92)]. Different missense changes at the same codon (p.Val321Glu, p.Val321Gly) have been reported to be associated with POU3F4-related disorder (ClinVar ID: VCV003601687 /PMID: 32048449). Therefore, this variant is classified as Likely pathogenic according to the recommendation of ACMG/AMP guideline.

Literature cited by the submitters: PubMed 32048449.